The following is an entry in ClinVar:

NM_032043.3(BRIP1):c.983T>A (p.Phe328Tyr)

Gene: BRIP1 (BRCA1 interacting DNA helicase 1; minus strand). Cytogenetic location: 17q23.2.
Variant type: single nucleotide variant.
Coding change: c.983T>A on transcript NM_032043.3 (MANE Select); coding-DNA position 983, T replaced by A.
Protein change: p.Phe328Tyr; replaces phenylalanine 328 with tyrosine.
Molecular consequence: missense variant.
Genome position (GRCh38, 1-based): chr17:61,801,410, A>T on the plus strand (T>A on the coding strand, the complement: BRIP1 is on the minus strand). VCF-style: chr17-61801410-A-T. GRCh37 (hg19) VCF-style: chr17-59878771-A-T.
Other names: short protein forms F328Y.
Identifiers: ClinVar variation 1714127 (VCV001714127.5), dbSNP rs876659057, ClinGen allele CA400484181.

ClinVar aggregate classification (germline): Uncertain significance (1 of 4 stars; one submission).

Conditions:
Familial cancer of breast. Also called: BREAST CANCER, FAMILIAL; Hereditary breast cancer; hereditary breast carcinoma. Identifiers: Orphanet 227535, MedGen C0346153, MONDO:0016419, OMIM 114480. Disease mechanism: loss of function.
Fanconi anemia complementation group J. Also called: BRIP1-Related Fanconi Anemia. Identifiers: Orphanet 84, MedGen C1836860, MONDO:0012187, OMIM 609054.

Submission:

Labcorp Genetics (formerly Invitae), Labcorp
Classification: Uncertain significance for Familial cancer of breast; Fanconi anemia complementation group J. Last evaluated: 2022-07-29. Review status: criteria provided, single submitter. Criteria: Invitae Variant Classification Sherloc (09022015). Collection method: clinical testing. Allele origin: germline.
Comment: In summary, the available evidence is currently insufficient to determine the role of this variant in disease. Therefore, it has been classified as a Variant of Uncertain Significance. This sequence change replaces phenylalanine, which is neutral and non-polar, with tyrosine, which is neutral and polar, at codon 328 of the BRIP1 protein (p.Phe328Tyr). This variant is not present in population databases (gnomAD no frequency). This variant has not been reported in the literature in individuals affected with BRIP1-related conditions. Algorithms developed to predict the effect of missense changes on protein structure and function (SIFT, PolyPhen-2, Align-GVGD) all suggest that this variant is likely to be tolerated.